The following is an entry in ClinVar:

NC_000013.10:g.(?_23853478)_(23985378_?)del

Genes: SACS (sacsin molecular chaperone; minus strand), SGCG (sarcoglycan gamma; plus strand). Cytogenetic location: 13q12.12.
Variant type: Deletion.
Identifiers: ClinVar variation 3244162 (VCV003244162.1).

ClinVar aggregate classification (germline): Pathogenic (1 of 4 stars; one submission).

Conditions:
Autosomal recessive limb-girdle muscular dystrophy type 2C (LGMDR5). Also called: MUSCULAR DYSTROPHY, DUCHENNE-LIKE; MUSCULAR DYSTROPHY, LIMB-GIRDLE, AUTOSOMAL RECESSIVE 5. Identifiers: Orphanet 353, MedGen C0410173, MONDO:0009677, OMIM 253700. Disease mechanism: Affects gamma-sarcoglycan and also disrupts the integrity of the entire sarcoglycan complex..

Submission:

Labcorp Genetics (formerly Invitae), Labcorp
Classification: Pathogenic for Autosomal recessive limb-girdle muscular dystrophy type 2C. Last evaluated: 2023-09-06. Review status: criteria provided, single submitter. Criteria: Invitae Variant Classification Sherloc (09022015). Collection method: clinical testing. Allele origin: unknown.
Comment: For these reasons, this variant has been classified as Pathogenic. This variant is a gross deletion of the genomic region encompassing exon(s) 5-8 of the SGCG gene, which includes the termination codon. This deletion extends beyond the assayed region for this gene and therefore may encompass additional genes. While this deletion is not anticipated to lead to nonsense mediated decay, it is expected to alter mRNA translation or result in a truncated protein product. This variant has not been reported in the literature in individuals affected with SGCG-related conditions. This variant disrupts a region of the SGCG protein in which other variant(s) (p.Glu263Lys) have been determined to be pathogenic (PMID: 16832103, 18285821, 24534832, 25802879, 27708273). This suggests that this is a clinically significant region of the protein, and that variants that disrupt it are likely to be disease-causing.

Literature cited by the submitters: PubMed 16832103; PubMed 18285821; PubMed 24534832; PubMed 25802879; PubMed 27708273.